The following is an entry in ClinVar:

NM_000038.6(APC):c.7769A>G (p.Lys2590Arg)

Gene: APC (APC regulator of Wnt signaling pathway; plus strand). Cytogenetic location: 5q22.2.
Variant type: single nucleotide variant.
Coding change: c.7769A>G on transcript NM_000038.6 (MANE Select); coding-DNA position 7769, A replaced by G.
Protein change: p.Lys2590Arg; replaces lysine 2590 with arginine.
Molecular consequence: missense variant. On other transcripts: non-coding transcript variant (2).
Genome position (GRCh38, 1-based): chr5:112,843,363, A>G. VCF-style: chr5-112843363-A-G. GRCh37 (hg19) VCF-style: chr5-112179060-A-G.
Other names: c.7769A>G, p.Lys2590Arg (NM_001127510.3, NM_001354895.2, NM_001407450.1); c.7715A>G, p.Lys2572Arg (NM_001127511.3); c.7823A>G, p.Lys2608Arg (NM_001354896.2, NM_001407447.1, NM_001407448.1 and 1 more transcripts); c.7799A>G, p.Lys2600Arg (NM_001354897.2); c.7694A>G, p.Lys2565Arg (NM_001354898.2); c.7685A>G, p.Lys2562Arg (NM_001354899.2); c.7646A>G, p.Lys2549Arg (NM_001354900.2); c.7592A>G, p.Lys2531Arg (NM_001354901.2, NM_001407453.1); and 11 more; short protein forms K2206R, K2489R, K2507R, K2562R, K2600R, K2618R, K2461R, K2464R.
Identifiers: ClinVar variation 3928218 (VCV003928218.1).

ClinVar aggregate classification (germline): Uncertain significance (1 of 4 stars; one submission).

Conditions:
Hereditary cancer-predisposing syndrome. Also called: Hereditary Cancer Syndrome; Hereditary neoplastic syndrome; Neoplastic Syndromes, Hereditary; Tumor predisposition. Identifiers: Orphanet 140162, MedGen C0027672, MeSH D009386, MONDO:0015356.

Submission:

Ambry Genetics
Classification: Uncertain significance for Hereditary cancer-predisposing syndrome. Last evaluated: 2025-03-26. Review status: criteria provided, single submitter. Criteria: Ambry Variant Classification Scheme 2023. Collection method: clinical testing. Allele origin: germline.
Comment: The p.K2590R variant (also known as c.7769A>G), located in coding exon 15 of the APC gene, results from an A to G substitution at nucleotide position 7769. The lysine at codon 2590 is replaced by arginine, an amino acid with highly similar properties. This amino acid position is conserved. In addition, in silico predictors for this gene do not accurately predict pathogenicity. Based on the available evidence, the clinical significance of this variant remains unclear.